The following is an entry in ClinVar:

ClinVar aggregate classification (germline): Likely benign (1 of 4 stars; one submission).

gnomAD v4.1: 1 of 1,469,230 alleles (0.000068%); highest among the groups gnomAD compares: African/African-American, 0.0015%; no homozygotes.

Submission:

CeGaT Center for Human Genetics Tuebingen
Classification: Likely benign. Last evaluated: 2025-10-01. Review status: criteria provided, single submitter. Criteria: CeGaT Center For Human Genetics Tuebingen Variant Classification Criteria Version 2. Collection method: clinical testing. Allele origin: germline. Affected: yes. Observed: 1 variant allele.
Comment: MUC4: BP4, BP7

NM_018406.7(MUC4):c.3378T>C (p.Thr1126=)

Gene: MUC4 (mucin 4, cell surface associated). Cytogenetic location: 3q29.
Variant type: single nucleotide variant.
Coding change: c.3378T>C on transcript NM_018406.7 (MANE Select); coding-DNA position 3378, T replaced by C.
Protein change: p.Thr1126=; no amino-acid change (threonine 1126 retained).
Molecular consequence: synonymous variant. On other transcripts: intron variant (2).
Genome position (GRCh38, 1-based): chr3:195,788,202, A>G on the plus strand (T>C on the coding strand, the complement: MUC4 is on the minus strand). VCF-style: chr3-195788202-A-G. GRCh37 (hg19) VCF-style: chr3-195515073-A-G.
Other names: c.83-13897T>C (NM_138297.5); c.83-9747T>C (NM_004532.6).
Identifiers: ClinVar variation 4533684 (VCV004533684.6).
Genomic context (GRCh38, chr3:195,788,202, plus strand): 5'-GGATACTGAGGAAGTGTCGGTGACAGGAAGAGAGGTGGCGTGACCTGTGGATGCTGAGGA[A>G]GTGTCGGTGACAGGAAGAGGGGTGGTGTGACCTGTGGATACTGAGGAAGTGTCGGTGACA-3'
Protein context (NP_060876.5, residues 1116-1136): GHTTPLPVTD[Thr1126=]SSASTGHATS